The following is an entry in ClinVar:

NM_018161.5(NADSYN1):c.317+2T>G

Gene: NADSYN1 (NAD synthetase 1; plus strand). Cytogenetic location: 11q13.4.
Variant type: single nucleotide variant.
Coding change: c.317+2T>G on transcript NM_018161.5 (MANE Select); the canonical splice donor site of the intron after coding-DNA position 317, T replaced by G.
Molecular consequence: splice donor variant.
Genome position (GRCh38, 1-based): chr11:71,463,487, T>G. VCF-style: chr11-71463487-T-G. GRCh37 (hg19) VCF-style: chr11-71174533-T-G.
Identifiers: ClinVar variation 4849287 (VCV004849287.1).
Genomic context (GRCh38, chr11:71,463,487, plus strand): 5'-TGCAGGCCTGTAATGCACCGAAACGTCCGCTACAACTGCAGAGTGATATTCCTCAACAGG[T>G]AGGCCCCCTGCCCCCACCCCGGGAGGGTGACTGGGGCCTCTCCCTGGCTCTCAGCTGAGG-3'

ClinVar aggregate classification (germline): Likely pathogenic (1 of 4 stars; one submission).

Conditions:
Vertebral, cardiac, renal, and limb defects syndrome 3. Also called: CONGENITAL NAD DEFICIENCY DISORDER 3. Identifiers: MedGen C5394250, MONDO:0030077, OMIM 618845.

gnomAD v4.1: 1 of 1,613,634 alleles (0.000062%); highest among the groups gnomAD compares: South Asian, 0.0011%; no homozygotes.

Submission:

First Genomix Gene Laboratory, Genetic Diagnostics Department
Classification: Likely pathogenic for Vertebral, cardiac, renal, and limb defects syndrome 3. Last evaluated: 2025-05-19. Review status: criteria provided, single submitter. Criteria: ACMG Guidelines, 2015. Collection method: clinical testing. Allele origin: germline. Inheritance: Autosomal recessive inheritance. Affected: no. Observed: 1 variant allele.